The following is an entry in ClinVar:

NM_032634.4(PIGO):c.299T>C (p.Phe100Ser)

Gene: PIGO (phosphatidylinositol glycan anchor biosynthesis class O; minus strand). Cytogenetic location: 9p13.3.
Variant type: single nucleotide variant.
Coding change: c.299T>C on transcript NM_032634.4 (MANE Select); coding-DNA position 299, T replaced by C.
Protein change: p.Phe100Ser; replaces phenylalanine 100 with serine.
Molecular consequence: missense variant.
Genome position (GRCh38, 1-based): chr9:35,095,267, A>G on the plus strand (T>C on the coding strand, the complement: PIGO is on the minus strand). VCF-style: chr9-35095267-A-G. GRCh37 (hg19) VCF-style: chr9-35095264-A-G.
Other names: c.299T>C, p.Phe100Ser (NM_001201484.2, NM_152850.4); short protein forms F100S.
Identifiers: ClinVar variation 2109608 (VCV002109608.4), dbSNP rs2490478182, ClinGen allele CA373324573.

ClinVar aggregate classification (germline): Uncertain significance (1 of 4 stars; one submission).

Conditions:
Hyperphosphatasia with impaired intellectual development syndrome 2. Also called: Hyperphosphatasia with intellectual disability syndrome 2; GLYCOSYLPHOSPHATIDYLINOSITOL BIOSYNTHESIS DEFECT 6. Identifiers: Orphanet 247262, MedGen C3553637, MONDO:0013882, OMIM 614749.

Submission:

Labcorp Genetics (formerly Invitae), Labcorp
Classification: Uncertain significance for Hyperphosphatasia with impaired intellectual development syndrome 2. Last evaluated: 2026-01-05. Review status: criteria provided, single submitter. Criteria: Invitae Variant Classification Sherloc (09022015). Collection method: clinical testing. Allele origin: germline.
Comment: This sequence change replaces phenylalanine, which is neutral and non-polar, with serine, which is neutral and polar, at codon 100 of the PIGO protein (p.Phe100Ser). This variant is not present in population databases (gnomAD no frequency). This variant has not been reported in the literature in individuals affected with PIGO-related conditions. ClinVar contains an entry for this variant (Variation ID: 2109608). Invitae Evidence Modeling of protein sequence and biophysical properties (such as structural, functional, and spatial information, amino acid conservation, physicochemical variation, residue mobility, and thermodynamic stability) has been performed for this missense variant. However, the output from this modeling did not meet the statistical confidence thresholds required to predict the impact of this variant on PIGO protein function. In summary, the available evidence is currently insufficient to determine the role of this variant in disease. Therefore, it has been classified as a Variant of Uncertain Significance.